The following is an entry in ClinVar:

NM_003482.4(KMT2D):c.8360A>G (p.Asn2787Ser)

Gene: KMT2D (lysine methyltransferase 2D; minus strand). Cytogenetic location: 12q13.12.
Variant type: single nucleotide variant.
Coding change: c.8360A>G on transcript NM_003482.4 (MANE Select); coding-DNA position 8360, A replaced by G.
Protein change: p.Asn2787Ser; replaces asparagine 2787 with serine.
Molecular consequence: missense variant.
Genome position (GRCh38, 1-based): chr12:49,039,228, T>C on the plus strand (A>G on the coding strand, the complement: KMT2D is on the minus strand). VCF-style: chr12-49039228-T-C. GRCh37 (hg19) VCF-style: chr12-49433011-T-C.
Other names: short protein forms N2787S.
Identifiers: ClinVar variation 3627610 (VCV003627610.3).
Genomic context (GRCh38, chr12:49,039,228, plus strand): 5'-GTGATAAAATCCATCCCCCTTGGTTTACCCCCAGGGAACCTCCTGGAGCCTCACCGGCTG[T>C]TCACATCCATAGAGGAAGGCGTGGCTGGTGGAGGTGGCCGGGAGAGTCGGTCATCGCTAG-3'
Protein context (NP_003473.3, residues 2777-2797): PPATPSSMDV[Asn2787Ser]SRQLVGGSQA

ClinVar aggregate classification (germline): Uncertain significance. Review status: criteria provided, multiple submitters, no conflicts (2 of 4 stars). 2 submissions from 2 submitters: Uncertain significance (2). Last evaluated 2026-02-16.

Conditions:
Inborn genetic diseases. Identifiers: MedGen C0950123, MeSH D030342.
Kabuki syndrome. Also called: NIIKAWA-KUROKI SYNDROME; Kabuki make-up syndrome. Identifiers: Orphanet 2322, MedGen C0796004, MONDO:0016512.

gnomAD v4.1: 1 of 1,613,744 alleles (0.000062%); highest among the groups gnomAD compares: South Asian, 0.0011%; no homozygotes.

Submissions (2):

Ambry Genetics
Classification: Uncertain significance for Inborn genetic diseases. Last evaluated: 2026-02-16. Review status: criteria provided, single submitter. Criteria: Ambry Variant Classification Scheme 2023. Collection method: clinical testing. Allele origin: germline.

Labcorp Genetics (formerly Invitae), Labcorp
Classification: Uncertain significance for Kabuki syndrome. Last evaluated: 2024-12-07. Review status: criteria provided, single submitter. Criteria: Invitae Variant Classification Sherloc (09022015). Collection method: clinical testing. Allele origin: germline.
Comment: This sequence change replaces asparagine, which is neutral and polar, with serine, which is neutral and polar, at codon 2787 of the KMT2D protein (p.Asn2787Ser). This variant is not present in population databases (gnomAD no frequency). This variant has not been reported in the literature in individuals affected with KMT2D-related conditions. Invitae Evidence Modeling of protein sequence and biophysical properties (such as structural, functional, and spatial information, amino acid conservation, physicochemical variation, residue mobility, and thermodynamic stability) indicates that this missense variant is not expected to disrupt KMT2D protein function with a negative predictive value of 95%. Algorithms developed to predict the effect of sequence changes on RNA splicing suggest that this variant may create or strengthen a splice site. In summary, the available evidence is currently insufficient to determine the role of this variant in disease. Therefore, it has been classified as a Variant of Uncertain Significance.